The following is an entry in ClinVar:

ClinVar aggregate classification (germline): Uncertain significance. Review status: criteria provided, multiple submitters, no conflicts (2 of 4 stars). 2 submissions from 2 submitters: Uncertain significance (2). Last evaluated 2023-05-11.

Submissions (2):

GeneDx
Classification: Uncertain significance. Last evaluated: 2023-05-11. Review status: criteria provided, single submitter. Criteria: GeneDx Variant Classification Process June 2021. Collection method: clinical testing. Allele origin: germline. Affected: yes.
Comment: Not observed at significant frequency in large population cohorts (gnomAD); In silico analysis supports that this missense variant has a deleterious effect on protein structure/function; Has not been previously published as pathogenic or benign to our knowledge

Labcorp Genetics (formerly Invitae), Labcorp
Classification: Uncertain significance. Last evaluated: 2022-05-27. Review status: criteria provided, single submitter. Criteria: Invitae Variant Classification Sherloc (09022015). Collection method: clinical testing. Allele origin: germline.
Comment: This sequence change replaces serine, which is neutral and polar, with glycine, which is neutral and non-polar, at codon 322 of the GATA5 protein (p.Ser322Gly). This variant is not present in population databases (gnomAD no frequency). This variant has not been reported in the literature in individuals affected with GATA5-related conditions. Algorithms developed to predict the effect of missense changes on protein structure and function output the following: SIFT: "Tolerated"; PolyPhen-2: "Benign"; Align-GVGD: "Class C0". The glycine amino acid residue is found in multiple mammalian species, which suggests that this missense change does not adversely affect protein function. In summary, the available evidence is currently insufficient to determine the role of this variant in disease. Therefore, it has been classified as a Variant of Uncertain Significance.

NM_080473.5(GATA5):c.964A>G (p.Ser322Gly)

Gene: GATA5 (GATA binding protein 5; minus strand). Cytogenetic location: 20q13.33.
Variant type: single nucleotide variant.
Coding change: c.964A>G on transcript NM_080473.5 (MANE Select); coding-DNA position 964, A replaced by G.
Protein change: p.Ser322Gly; replaces serine 322 with glycine.
Molecular consequence: missense variant.
Genome position (GRCh38, 1-based): chr20:62,465,414, T>C on the plus strand (A>G on the coding strand, the complement: GATA5 is on the minus strand). VCF-style: chr20-62465414-T-C. GRCh37 (hg19) VCF-style: chr20-61040470-T-C.
Other names: c.964A>G (NM_080473.4); short protein forms S322G.
Identifiers: ClinVar variation 1996624 (VCV001996624.5), dbSNP rs2516436841, ClinGen allele CA409552504.